The following is an entry in ClinVar:

ClinVar aggregate classification (germline): Conflicting classifications of pathogenicity. Review status: criteria provided, conflicting classifications (1 of 4 stars). 5 submissions from 5 submitters: Likely pathogenic (2); Uncertain significance (3). Last evaluated 2026-05-28.

Conditions:
RYR1-related disorder. Also called: RYR1-related condition; RYR1-related disorders. Identifiers: MedGen CN239331.
Malignant hyperthermia, susceptibility to, 1 (MHS1). Also called: RYR1-Related Malignant Hyperthermia Susceptibility; Anesthesia related hyperthermia; Malignant hyperpyrexia; Fulminating hyperpyrexia; Pharmacogenic myopathy; Malignant hyperthermia suceptibility 1. Identifiers: Orphanet 423, MedGen C2930980, MONDO:0007783, OMIM 145600.

gnomAD v4.1: 8 of 1,613,892 alleles (0.0005%); highest among the groups gnomAD compares: Non-Finnish European, 0.00059%; no homozygotes.

Submissions (5):

GeneDx
Classification: Likely pathogenic. Last evaluated: 2026-05-28. Review status: criteria provided, single submitter. Criteria: GeneDx Variant Classification Process June 2021. Collection method: clinical testing. Allele origin: germline.
Comment: Has not been previously published as pathogenic or benign to our knowledge; In silico analysis supports that this missense variant has a deleterious effect on protein structure/function; Not observed at significant frequency in large population cohorts (gnomAD); This variant is associated with the following publications: (PMID: 32236737)

All of Us Research Program, National Institutes of Health
Classification: Uncertain significance for Malignant hyperthermia, susceptibility to, 1. Last evaluated: 2024-04-16. Review status: criteria provided, single submitter. Criteria: ACMG Guidelines, 2015. Collection method: clinical testing. Allele origin: germline. Inheritance: Autosomal dominant inheritance. Observed: 4 variant alleles, 4 heterozygotes.
Comment: This missense variant replaces proline with threonine at codon 1267 of the RYR1 protein. Computational prediction suggests that this variant may have deleterious impact on protein structure and function (internally defined REVEL score threshold >= 0.7, PMID: 27666373). To our knowledge, functional studies have not been reported for this variant. This variant has not been reported in individuals affected with autosomal dominant malignant hyperthermia in the literature, although it is associated with other phenotype(s) (ClinVar variation ID: 590522). This variant has not been identified in the general population by the Genome Aggregation Database (gnomAD). Due to insufficient evidence, this variant is classified as a Variant of Uncertain Significance for autosomal dominant malignant hyperthermia.

This study involves interpretation of variants in research participants for the purpose of population health screening. Participant phenotype was not available at the time of variant classification. Additional details can be found in publication PMID: 35346344, PMCID: PMC8962531

Labcorp Genetics (formerly Invitae), Labcorp
Classification: Likely pathogenic for RYR1-related disorder. Last evaluated: 2024-04-16. Review status: criteria provided, single submitter. Criteria: Invitae Variant Classification Sherloc (09022015). Collection method: clinical testing. Allele origin: germline.
Comment: This sequence change replaces proline, which is neutral and non-polar, with threonine, which is neutral and polar, at codon 1267 of the RYR1 protein (p.Pro1267Thr). This variant is not present in population databases (gnomAD no frequency). This variant has not been reported in the literature in individuals affected with RYR1-related conditions. ClinVar contains an entry for this variant (Variation ID: 590522). Advanced modeling of protein sequence and biophysical properties (such as structural, functional, and spatial information, amino acid conservation, physicochemical variation, residue mobility, and thermodynamic stability) performed at Invitae indicates that this missense variant is expected to disrupt RYR1 protein function with a positive predictive value of 95%. This variant disrupts the p.Pro1267 amino acid residue in RYR1. Other variant(s) that disrupt this residue have been determined to be pathogenic (PMID: 23919265, 26841830, 27066551; Invitae). This suggests that this residue is clinically significant, and that variants that disrupt this residue are likely to be disease-causing. In summary, the currently available evidence indicates that the variant is pathogenic, but additional data are needed to prove that conclusively. Therefore, this variant has been classified as Likely Pathogenic.

Illumina Laboratory Services, Illumina
Classification: Uncertain significance. Last evaluated: 2022-08-05. Review status: criteria provided, single submitter. Criteria: ICSL CNVClassificationCriteria Aug2020. Collection method: clinical testing. Allele origin: unknown. Affected: yes.
Comment: For RYR1-related disorders: The RYR1 c.3799C>A (p.Pro1267Thr) missense variant results in the substitution of proline at amino acid position 1267 with threonine. To our knowledge, this variant has not been reported in association with malignant hyperthemia susceptibility or RYR1-related myopathies in the peer-reviewed literature. A different missense variant impacting Pro1267, c.3800C>G (p.Pro1267Arg), has been reported in at least three unrelated individuals suspected of having varied autosomal recessive RYR1-related myopathies, however it has not been functionally characterized and its pathogenicity remains unclear (PMID: 23919265; PMID: 26841830; PMID: 27066551; PMID: 28269792). The p.Pro1267Thr variant is not found in version 2.1.1 or version 3.1.2 of the Genome Aggregation Database (PMID: 32461654). In silico tools suggest a damaging consequence, however this has not been verified experimentally. Based on the available evidence, the c.3799C>A (p.Pro1267Thr) variant is classified as a variant of uncertain significance for RYR1-related disorders.

PreventionGenetics, part of Exact Sciences
Classification: Uncertain significance. Last evaluated: 2015-07-22. Review status: criteria provided, single submitter. Criteria: ACMG Guidelines, 2015. Collection method: clinical testing. Allele origin: germline.

Literature cited by the submitters: PubMed 23919265 (cited by Labcorp Genetics (formerly Invitae), Labcorp and Illumina Laboratory Services, Illumina); PubMed 26841830 (cited by Labcorp Genetics (formerly Invitae), Labcorp and Illumina Laboratory Services, Illumina); PubMed 27066551 (cited by Labcorp Genetics (formerly Invitae), Labcorp and Illumina Laboratory Services, Illumina); PubMed 28269792 (cited by Illumina Laboratory Services, Illumina); PubMed 32461654 (cited by Illumina Laboratory Services, Illumina).

NM_000540.3(RYR1):c.3799C>A (p.Pro1267Thr)

Gene: RYR1 (ryanodine receptor 1; plus strand). Cytogenetic location: 19q13.2.
Variant type: single nucleotide variant.
Coding change: c.3799C>A on transcript NM_000540.3 (MANE Select); coding-DNA position 3799, C replaced by A.
Protein change: p.Pro1267Thr; replaces proline 1267 with threonine.
Molecular consequence: missense variant.
Genome position (GRCh38, 1-based): chr19:38,473,410, C>A. VCF-style: chr19-38473410-C-A. GRCh37 (hg19) VCF-style: chr19-38964050-C-A.
Other names: c.3799C>A, p.Pro1267Thr (NM_001042723.2); short protein forms P1267T.
Identifiers: ClinVar variation 590522 (VCV000590522.14), dbSNP rs564495912, ClinGen allele CA405641464.